The following is an entry in ClinVar:

NM_002470.4(MYH3):c.1932C>T (p.Ser644=)

Gene: MYH3 (myosin heavy chain 3; minus strand). Cytogenetic location: 17p13.1.
Variant type: single nucleotide variant.
Coding change: c.1932C>T on transcript NM_002470.4 (MANE Select); coding-DNA position 1932, C replaced by T.
Protein change: p.Ser644=; no amino-acid change (serine 644 retained).
Molecular consequence: synonymous variant.
Genome position (GRCh38, 1-based): chr17:10,642,267, G>A on the plus strand (C>T on the coding strand, the complement: MYH3 is on the minus strand). VCF-style: chr17-10642267-G-A. GRCh37 (hg19) VCF-style: chr17-10545584-G-A.
Identifiers: ClinVar variation 321753 (VCV000321753.40), dbSNP rs115612890, ClinGen allele CA8392894.

ClinVar aggregate classification (germline): Benign/Likely benign. Review status: criteria provided, multiple submitters, no conflicts (2 of 4 stars). 7 submissions from 6 submitters: Benign (2); Likely benign (5). Last evaluated 2026-01-24.

Conditions:
Distal arthrogryposis type 2B1 (DA2B1). Also called: Arthrogryposis multiplex congenita distal type II with craniofacial abnormalities. Identifiers: Orphanet 1147, MedGen C5193014, MONDO:0020820, OMIM 601680.
Freeman-Sheldon syndrome (DA2A). Also called: CRANIOCARPOTARSAL DYSPLASIA; CRANIOCARPOTARSAL DYSTROPHY; WHISTLING FACE-WINDMILL VANE HAND SYNDROME; Arthrogryposis, distal, type 2A (Freeman-Sheldon). Identifiers: Orphanet 2053, MedGen C0265224, MONDO:0008675, OMIM 193700.

Allele frequency attached by ClinVar (database versions not stated): ExAC 0.00054; ESP Exome Variant Server 0.00154; gnomAD 0.00182 and 0.00194; gnomAD exomes 0.00041; TOPMed 0.00197; 1000 Genomes Project 0.00260; 1000 Genomes Project 30x 0.00265.
gnomAD v4.1: 553 of 1,614,032 alleles (0.034%); highest among the groups gnomAD compares: African/African-American, 0.61%; 3 homozygotes.

Submissions (7):

Labcorp Genetics (formerly Invitae), Labcorp
Classification: Benign. Last evaluated: 2026-01-24. Review status: criteria provided, single submitter. Criteria: Invitae Variant Classification Sherloc (09022015). Collection method: clinical testing. Allele origin: germline.

Women's Health and Genetics/Laboratory Corporation of America, LabCorp
Classification: Likely benign. Last evaluated: 2025-10-23. Review status: criteria provided, single submitter. Criteria: LabCorp Variant Classification Summary - May 2015. Collection method: clinical testing. Allele origin: germline.

Blueprint Genetics
Classification: Likely benign. Last evaluated: 2024-08-22. Review status: criteria provided, single submitter. Criteria: ACMG Guidelines, 2015. Collection method: clinical testing. Allele origin: germline.

CeGaT Center for Human Genetics Tuebingen
Classification: Likely benign. Last evaluated: 2022-08-01. Review status: criteria provided, single submitter. Criteria: CeGaT Center For Human Genetics Tuebingen Variant Classification Criteria Version 2. Collection method: clinical testing. Allele origin: germline. Affected: yes. Observed: 1 variant allele.
Comment: MYH3: BP4, BP7

Illumina Laboratory Services, Illumina
Classification: Likely benign for Distal arthrogryposis type 2B1. Last evaluated: 2018-01-13. Review status: criteria provided, single submitter. Criteria: ICSL Variant Classification Criteria 13 December 2019. Collection method: clinical testing. Allele origin: germline.
Comment: This variant was observed in the ICSL laboratory as part of a predisposition screen in an ostensibly healthy population. It had not been previously curated by ICSL or reported in the Human Gene Mutation Database (HGMD: prior to June 1st, 2018), and was therefore a candidate for classification through an automated scoring system. Utilizing variant allele frequency, disease prevalence and penetrance estimates, and inheritance mode, an automated score was calculated to assess if this variant is too frequent to cause the disease. Based on the score and internal cut-off values, a variant classified as likely benign is not then subjected to further curation. The score for this variant resulted in a classification of likely benign for this disease.

Illumina Laboratory Services, Illumina
Classification: Benign for Freeman-Sheldon syndrome. Last evaluated: 2018-01-13. Review status: criteria provided, single submitter. Criteria: ICSL Variant Classification Criteria 13 December 2019. Collection method: clinical testing. Allele origin: germline.
Comment: This variant was observed in the ICSL laboratory as part of a predisposition screen in an ostensibly healthy population. It had not been previously curated by ICSL or reported in the Human Gene Mutation Database (HGMD: prior to June 1st, 2018), and was therefore a candidate for classification through an automated scoring system. Utilizing variant allele frequency, disease prevalence and penetrance estimates, and inheritance mode, an automated score was calculated to assess if this variant is too frequent to cause the disease. Based on the score and internal cut-off values, a variant classified as benign is not then subjected to further curation. The score for this variant resulted in a classification of benign for this disease.

Breakthrough Genomics
Classification: Likely benign. Review status: criteria provided, single submitter. Criteria: ACMG Guidelines, 2015. Collection method: not provided. Allele origin: germline. Inheritance: Autosomal recessive inheritance. Affected: yes.